The following is an entry in ClinVar:

NM_022167.4(XYLT2):c.2107A>G (p.Ile703Val)

Gene: XYLT2 (xylosyltransferase 2; plus strand). Cytogenetic location: 17q21.33.
Variant type: single nucleotide variant.
Coding change: c.2107A>G on transcript NM_022167.4 (MANE Select); coding-DNA position 2107, A replaced by G.
Protein change: p.Ile703Val; replaces isoleucine 703 with valine.
Molecular consequence: missense variant.
Genome position (GRCh38, 1-based): chr17:50,358,372, A>G. VCF-style: chr17-50358372-A-G. GRCh37 (hg19) VCF-style: chr17-48435733-A-G.
Other names: short protein forms I703V.
Identifiers: ClinVar variation 1475000 (VCV001475000.4), dbSNP rs369278935, ClinGen allele CA8646660.

ClinVar aggregate classification (germline): Uncertain significance (1 of 4 stars; one submission).

Allele frequency attached by ClinVar (database versions not stated): TOPMed below 0.00001; ExAC 0.00001; gnomAD exomes 0.00001 and below 0.00001; ESP Exome Variant Server 0.00008.
gnomAD v4.1: 3 of 1,614,060 alleles (0.00019%); highest among the groups gnomAD compares: Non-Finnish European, 0.00025%; no homozygotes.

Submission:

Labcorp Genetics (formerly Invitae), Labcorp
Classification: Uncertain significance. Last evaluated: 2022-10-13. Review status: criteria provided, single submitter. Criteria: Invitae Variant Classification Sherloc (09022015). Collection method: clinical testing. Allele origin: germline.
Comment: In summary, the available evidence is currently insufficient to determine the role of this variant in disease. Therefore, it has been classified as a Variant of Uncertain Significance. Advanced modeling of protein sequence and biophysical properties (such as structural, functional, and spatial information, amino acid conservation, physicochemical variation, residue mobility, and thermodynamic stability) performed at Invitae indicates that this missense variant is not expected to disrupt XYLT2 protein function. ClinVar contains an entry for this variant (Variation ID: 1475000). This variant has not been reported in the literature in individuals affected with XYLT2-related conditions. This variant is present in population databases (rs369278935, gnomAD 0.002%). This sequence change replaces isoleucine, which is neutral and non-polar, with valine, which is neutral and non-polar, at codon 703 of the XYLT2 protein (p.Ile703Val).